The following is an entry in ClinVar:

ClinVar aggregate classification (germline): Conflicting classifications of pathogenicity. Review status: criteria provided, conflicting classifications (1 of 4 stars). 4 submissions from 4 submitters: Uncertain significance (1); Likely benign (3). Last evaluated 2026-07-01.

Conditions:
Cardiomyopathy (CMYO). Also called: Cardiomyopathies. Identifiers: Orphanet 167848, MedGen C0878544, MONDO:0004994, HP:0001638. Inheritance: Various modes of inheritance.
Early-onset myopathy with fatal cardiomyopathy (CMYO5). Also called: Salih Myopathy; CONGENITAL MYOPATHY 5 WITH CARDIOMYOPATHY. Identifiers: Orphanet 289377, MedGen C2673677, MONDO:0012714, OMIM 611705. Disease mechanism: loss of function.

Allele frequency attached by ClinVar (database versions not stated): gnomAD 0.00002; gnomAD exomes 0.00004 and 0.00009; TOPMed 0.00006; ExAC 0.00007.
gnomAD v4.1: 28 of 1,614,184 alleles (0.0017%); highest among the groups gnomAD compares: Admixed American, 0.045%; no homozygotes.

Submissions (4):

CeGaT Center for Human Genetics Tuebingen
Classification: Likely benign. Last evaluated: 2026-07-01. Review status: criteria provided, single submitter. Criteria: CeGaT Center For Human Genetics Tuebingen Variant Classification Criteria Version 2. Collection method: clinical testing. Allele origin: germline. Affected: yes. Observed: 1 variant allele.
Comment: TTN: BP4

Baylor Genetics
Classification: Uncertain significance for Early-onset myopathy with fatal cardiomyopathy. Last evaluated: 2020-02-25. Review status: criteria provided, single submitter. Criteria: ACMG Guidelines, 2015. Collection method: clinical testing. Allele origin: unknown. Affected: yes.
Comment: This variant was determined to be of uncertain significance according to ACMG Guidelines, 2015 [PMID:25741868].

GeneDx
Classification: Likely benign. Last evaluated: 2019-10-11. Review status: criteria provided, single submitter. Criteria: GeneDx Variant Classification Process June 2021. Collection method: clinical testing. Allele origin: germline. Affected: yes.
Comment: Has not been previously published as pathogenic or benign to our knowledge

Center for Advanced Laboratory Medicine, UC San Diego Health, University of California San Diego
Classification: Likely benign for Cardiomyopathy. Last evaluated: 2019-03-15. Review status: criteria provided, single submitter. Criteria: ACMG Guidelines, 2015. Collection method: clinical testing. Allele origin: germline. Affected: yes. Observed: 2 variant alleles.

NM_001267550.2(TTN):c.2662G>A (p.Asp888Asn)

Gene: TTN (titin; minus strand). Cytogenetic location: 2q31.2.
Variant type: single nucleotide variant.
Coding change: c.2662G>A on transcript NM_001267550.2 (MANE Select); coding-DNA position 2662, G replaced by A.
Protein change: p.Asp888Asn; replaces aspartic acid 888 with asparagine.
Molecular consequence: missense variant.
Genome position (GRCh38, 1-based): chr2:178,784,183, C>T on the plus strand (G>A on the coding strand, the complement: TTN is on the minus strand). VCF-style: chr2-178784183-C-T. GRCh37 (hg19) VCF-style: chr2-179648910-C-T.
Other names: c.2662G>A, p.Asp888Asn (NM_001256850.1, NM_133378.4, NM_133379.5); c.2524G>A, p.Asp842Asn (NM_003319.4, NM_133432.3, NM_133437.4); short protein forms D842N, D888N.
Identifiers: ClinVar variation 691763 (VCV000691763.6), dbSNP rs759686739, ClinGen allele CA2005767.